The following is an entry in ClinVar:

ClinVar aggregate classification (germline): Pathogenic (1 of 4 stars; one submission).

Submission:

CeGaT Center for Human Genetics Tuebingen
Classification: Pathogenic. Last evaluated: 2026-06-01. Review status: criteria provided, single submitter. Criteria: CeGaT Center For Human Genetics Tuebingen Variant Classification Criteria Version 2. Collection method: clinical testing. Allele origin: germline. Affected: yes. Observed: 3 variant alleles.
Comment: SPG11: PVS1, PM2

NM_025137.4(SPG11):c.2284_2285insGAA (p.Tyr762Ter)

Gene: SPG11 (SPG11 vesicle trafficking associated, spatacsin; minus strand). Cytogenetic location: 15q21.1.
Variant type: Insertion.
Coding change: c.2284_2285insGAA on transcript NM_025137.4 (MANE Select); coding-DNA positions 2284 to 2285, GAA inserted.
Protein change: p.Tyr762Ter; replaces tyrosine 762 with a stop codon.
Molecular consequence: nonsense.
Genome position: GRCh38 VCF-style: chr15-44622759-T-TTTC. GRCh37 (hg19) VCF-style: chr15-44914957-T-TTTC.
Other names: c.2284_2285insGAA, p.Tyr762Ter (NM_001160227.2, NM_001411132.1); short protein forms Y762*.
Identifiers: ClinVar variation 4874455 (VCV004874455.2).
Genomic context (GRCh38, chr15:44,622,759, plus strand): 5'-GTATACTATGTAGTCTCACCTTTACCTACCAAAAAGTCACGTATATTTTTATTAGTTGTA[T>TTTC]AGAAGCAGATCTTGAGCAATTGGCCTTTTACATCAAACCCCTAAAATAAACATAGAAAAC-3'